The following is an entry in ClinVar:

ClinVar aggregate classification (germline): Benign. Review status: criteria provided, multiple submitters, no conflicts (2 of 4 stars). 4 submissions from 4 submitters: Benign (3). 1 of the submissions does not count toward it. Last evaluated 2019-12-31.

Conditions:
CTNND2-related disorder. Also called: CTNND2-related condition.

Allele frequency attached by ClinVar (database versions not stated): gnomAD exomes 0.00375; gnomAD 0.01147; ESP Exome Variant Server 0.01230; TOPMed 0.01302; 1000 Genomes Project 0.01438; 1000 Genomes Project 30x 0.01483.
gnomAD v4.1: 4,341 of 1,614,148 alleles (0.27%); highest among the groups gnomAD compares: African/African-American, 4.1%; 66 homozygotes.

Submissions (4):

GeneDx
Classification: Benign. Last evaluated: 2019-12-31. Review status: criteria provided, single submitter. Criteria: GeneDx Variant Classification Process June 2021. Collection method: clinical testing. Allele origin: germline. Affected: yes.

Labcorp Genetics (formerly Invitae), Labcorp
Classification: Benign. Last evaluated: 2019-12-31. Review status: criteria provided, single submitter. Criteria: Invitae Variant Classification Sherloc (09022015). Collection method: clinical testing. Allele origin: germline.

Breakthrough Genomics
Classification: Benign. Review status: criteria provided, single submitter. Criteria: ACMG Guidelines, 2015. Collection method: not provided. Allele origin: germline. Inheritance: Unknown mechanism. Affected: yes.

PreventionGenetics, part of Exact Sciences
Classification: Benign for CTNND2-related condition. Last evaluated: 2020-01-13. Review status: no assertion criteria provided. Collection method: clinical testing. Allele origin: germline. Not counted in ClinVar's aggregate classification.
Comment: This variant is classified as benign based on ACMG/AMP sequence variant interpretation guidelines (Richards et al. 2015 PMID: 25741868, with internal and published modifications).

NM_001332.4(CTNND2):c.2745G>A (p.Ala915=)

Gene: CTNND2 (catenin delta 2; minus strand). Cytogenetic location: 5p15.2.
Variant type: single nucleotide variant.
Coding change: c.2745G>A on transcript NM_001332.4 (MANE Select); coding-DNA position 2745, G replaced by A.
Protein change: p.Ala915=; no amino-acid change (alanine 915 retained).
Molecular consequence: synonymous variant. On other transcripts: non-coding transcript variant (1).
Genome position (GRCh38, 1-based): chr5:11,082,739, C>T on the plus strand (G>A on the coding strand, the complement: CTNND2 is on the minus strand). VCF-style: chr5-11082739-C-T. GRCh37 (hg19) VCF-style: chr5-11082851-C-T.
Other names: c.2472G>A, p.Ala824= (NM_001288715.1); c.1734G>A, p.Ala578= (NM_001288716.1); c.1446G>A, p.Ala482= (NM_001288717.2); c.1809G>A, p.Ala603= (NM_001364128.2).
Identifiers: ClinVar variation 780517 (VCV000780517.9), dbSNP rs61737893, ClinGen allele CA3200502.